The following is an entry in ClinVar:

ClinVar aggregate classification (germline): Uncertain significance (1 of 4 stars; one submission).

Conditions:
Inborn genetic diseases. Identifiers: MedGen C0950123, MeSH D030342.

gnomAD v4.1: 4 of 1,614,118 alleles (0.00025%); highest among the groups gnomAD compares: East Asian, 0.0045%; no homozygotes.

Submission:

Ambry Genetics
Classification: Uncertain significance for Inborn genetic diseases. Last evaluated: 2026-09-10. Review status: criteria provided, single submitter. Criteria: Ambry Variant Classification Scheme 2023. Collection method: clinical testing. Allele origin: germline.
Comment: The c.1045T>C (p.C349R) alteration is located in exon 5 (coding exon 4) of the WNT10B gene. This alteration results from a T to C substitution at nucleotide position 1045, causing the cysteine (C) at amino acid position 349 to be replaced by an arginine (R). Based on data from gnomAD, the C allele has an overall frequency of <0.001% (1/250794) total alleles studied. The highest observed frequency was 0.003% (1/34568) of Latino alleles. Based on insufficient or conflicting evidence, the clinical significance of this alteration remains unclear.

NM_003394.4(WNT10B):c.1045T>C (p.Cys349Arg)

Gene: WNT10B (Wnt family member 10B; minus strand). Cytogenetic location: 12q13.12.
Variant type: single nucleotide variant.
Coding change: c.1045T>C on transcript NM_003394.4 (MANE Select); coding-DNA position 1045, T replaced by C.
Protein change: p.Cys349Arg; replaces cysteine 349 with arginine.
Molecular consequence: missense variant.
Genome position (GRCh38, 1-based): chr12:48,966,220, A>G on the plus strand (T>C on the coding strand, the complement: WNT10B is on the minus strand). VCF-style: chr12-48966220-A-G. GRCh37 (hg19) VCF-style: chr12-49360003-A-G.
Other names: short protein forms C349R.
Identifiers: ClinVar variation 5032007 (VCV005032007.1).
Genomic context (GRCh38, chr12:48,966,220, plus strand): 5'-GGAAGCGGCAATGGCAGCGCTCAACTCGTGTCTGCCGGAGCACGTTGTGCCCACGGCCAC[A>G]GCACAGGCTGCCACAGCCATCCAACAGGCGGCTGGTCTTGTTGCAGGCCCGGCCCCTTGT-3'
Protein context (NP_003385.2, residues 339-359): RLLDGCGSLC[Cys349Arg]GRGHNVLRQT